The following is an entry in ClinVar:

NM_012186.3(FOXE3):c.216G>C (p.Pro72=)

Genes: FOXE3 (forkhead box E3; plus strand), LINC01389 (long intergenic non-protein coding RNA 1389; minus strand). Cytogenetic location: 1p33.
Variant type: single nucleotide variant.
Coding change: c.216G>C on transcript NM_012186.3 (MANE Select); coding-DNA position 216, G replaced by C.
Protein change: p.Pro72=; no amino-acid change (proline 72 retained).
Molecular consequence: synonymous variant.
Genome position (GRCh38, 1-based): chr1:47,416,531, G>C. VCF-style: chr1-47416531-G-C. GRCh37 (hg19) VCF-style: chr1-47882203-G-C.
Identifiers: ClinVar variation 3058833 (VCV003058833.2), dbSNP rs1646883620, ClinGen allele CA417892273.

ClinVar aggregate classification (germline): Likely benign (0 of 4 stars; one submission).

Conditions:
FOXE3-related disorder. Also called: FOXE3-related condition.

Submission:

PreventionGenetics, part of Exact Sciences
Classification: Likely benign for FOXE3-related condition. Last evaluated: 2021-06-17. Review status: no assertion criteria provided. Collection method: clinical testing. Allele origin: germline.
Comment: This variant is classified as likely benign based on ACMG/AMP sequence variant interpretation guidelines (Richards et al. 2015 PMID: 25741868, with internal and published modifications).